The following is an entry in ClinVar:

ClinVar aggregate classification (germline): Uncertain significance. Review status: criteria provided, single submitter (1 of 4 stars). 2 submissions from 2 submitters: Uncertain significance (1). 1 of the submissions does not count toward it. Last evaluated 2021-09-01.

Conditions:
Polyglandular autoimmune syndrome, type 1 (APS1). Also called: Autoimmune polyendocrinopathy syndrome, type I; Autoimmune polyendocrinopathy syndrome , type I, with or without reversible metaphyseal dysplasia; HYPOADRENOCORTICISM WITH HYPOPARATHYROIDISM AND SUPERFICIAL MONILIASIS; Autoimmune polyendocrine syndrome type 1; AUTOIMMUNE POLYENDOCRINE SYNDROME, TYPE I, WITH OR WITHOUT REVERSIBLE METAPHYSEAL DYSPLASIA; PGA I. Identifiers: Orphanet 3453, MedGen C0085859, MONDO:0009411, OMIM 240300.

Allele frequency attached by ClinVar (database versions not stated): gnomAD exomes 0.00001.
gnomAD v4.1: 14 of 1,541,514 alleles (0.00091%); highest among the groups gnomAD compares: South Asian, 0.0024%; no homozygotes.

Submissions (2):

Labcorp Genetics (formerly Invitae), Labcorp
Classification: Uncertain significance for Polyglandular autoimmune syndrome, type 1. Last evaluated: 2021-09-01. Review status: criteria provided, single submitter. Criteria: Invitae Variant Classification Sherloc (09022015). Collection method: clinical testing. Allele origin: germline.
Comment: This sequence change replaces glutamic acid with aspartic acid at codon 17 of the AIRE protein (p.Glu17Asp). The glutamic acid residue is highly conserved and there is a small physicochemical difference between glutamic acid and aspartic acid. The frequency data for this variant in the population databases is considered unreliable, as metrics indicate insufficient coverage at this position in the ExAC database. This variant has not been reported in the literature in individuals affected with AIRE-related conditions. Algorithms developed to predict the effect of missense changes on protein structure and function output the following: SIFT: "Deleterious"; PolyPhen-2: "Benign"; Align-GVGD: "Class C0". The aspartic acid amino acid residue is found in multiple mammalian species, which suggests that this missense change does not adversely affect protein function. In summary, the available evidence is currently insufficient to determine the role of this variant in disease. Therefore, it has been classified as a Variant of Uncertain Significance.

Natera, Inc.
Classification: Uncertain significance for Polyglandular autoimmune syndrome type 1. Last evaluated: 2020-03-20. Review status: no assertion criteria provided. Collection method: clinical testing. Allele origin: germline. Not counted in ClinVar's aggregate classification.

NM_000383.4(AIRE):c.51G>C (p.Glu17Asp)

Gene: AIRE (autoimmune regulator; plus strand). Cytogenetic location: 21q22.3.
Variant type: single nucleotide variant.
Coding change: c.51G>C on transcript NM_000383.4 (MANE Select); coding-DNA position 51, G replaced by C.
Protein change: p.Glu17Asp; replaces glutamic acid 17 with aspartic acid.
Molecular consequence: missense variant.
Genome position (GRCh38, 1-based): chr21:44,286,057, G>C. VCF-style: chr21-44286057-G-C. GRCh37 (hg19) VCF-style: chr21-45705940-G-C.
Other names: short protein forms E17D.
Identifiers: ClinVar variation 862567 (VCV000862567.6), dbSNP rs1036995518, ClinGen allele CA321787731.